The following is an entry in ClinVar:

ClinVar aggregate classification (germline): Likely benign (1 of 4 stars; one submission).

Submission:

GeneDx
Classification: Likely benign. Last evaluated: 2017-05-16. Review status: criteria provided, single submitter. Criteria: GeneDx Variant Classification (06012015). Collection method: clinical testing. Allele origin: germline. Affected: yes.
Comment: This variant is considered likely benign or benign based on one or more of the following criteria: it is a conservative change, it occurs at a poorly conserved position in the protein, it is predicted to be benign by multiple in silico algorithms, and/or has population frequency not consistent with disease.

NM_001347721.2(DYRK1A):c.1644+15G>A

Gene: DYRK1A (dual specificity tyrosine phosphorylation regulated kinase 1A; plus strand). Cytogenetic location: 21q22.13.
Variant type: single nucleotide variant.
Coding change: c.1644+15G>A on transcript NM_001347721.2 (MANE Select); 15 bases into the intron after coding-DNA position 1644, G replaced by A.
Molecular consequence: intron variant. On other transcripts: synonymous variant (1).
Genome position (GRCh38, 1-based): chr21:37,506,238, G>A. VCF-style: chr21-37506238-G-A. GRCh37 (hg19) VCF-style: chr21-38878541-G-A.
Other names: c.1686G>A, p.Val562= (NM_101395.2); c.1671+15G>A (NM_001396.5); c.1644+15G>A (NM_001347722.2, NM_130436.2); c.1557+15G>A (NM_001347723.2); c.1546+649G>A (NM_130438.2).
Identifiers: ClinVar variation 509564 (VCV000509564.1), dbSNP rs1555991561, ClinGen allele CA658799446.